The following is an entry in ClinVar:

NM_031263.4(HNRNPK):c.16C>T (p.Pro6Ser)

Gene: HNRNPK (heterogeneous nuclear ribonucleoprotein K; minus strand). Cytogenetic location: 9q21.32.
Variant type: single nucleotide variant.
Coding change: c.16C>T on transcript NM_031263.4 (MANE Select); coding-DNA position 16, C replaced by T.
Protein change: p.Pro6Ser; replaces proline 6 with serine.
Molecular consequence: missense variant.
Genome position (GRCh38, 1-based): chr9:83,978,237, G>A on the plus strand (C>T on the coding strand, the complement: HNRNPK is on the minus strand). VCF-style: chr9-83978237-G-A. GRCh37 (hg19) VCF-style: chr9-86593152-G-A.
Other names: c.16C>T, p.Pro6Ser (NM_001318186.2, NM_001318187.2, NM_001318188.2 and 2 more transcripts); c.16C>T (NM_002140.3); short protein forms P6S.
Identifiers: ClinVar variation 2892235 (VCV002892235.5), dbSNP rs150076109, ClinGen allele CA5104344.

ClinVar aggregate classification (germline): Conflicting classifications of pathogenicity. Review status: criteria provided, conflicting classifications (1 of 4 stars). 3 submissions from 3 submitters: Uncertain significance (1); Likely benign (2). Last evaluated 2025-12-16.

Conditions:
Inborn genetic diseases. Identifiers: MedGen C0950123, MeSH D030342.

Allele frequency attached by ClinVar (database versions not stated): gnomAD exomes below 0.00001; ExAC 0.00001; TOPMed 0.00010; gnomAD 0.00012; ESP Exome Variant Server 0.00015; 1000 Genomes Project 30x 0.00016.
gnomAD v4.1: 22 of 1,612,126 alleles (0.0014%); highest among the groups gnomAD compares: African/African-American, 0.029%; no homozygotes.

Submissions (3):

Ambry Genetics
Classification: Likely benign for Inborn genetic diseases. Last evaluated: 2025-12-16. Review status: criteria provided, single submitter. Criteria: Ambry Variant Classification Scheme 2023. Collection method: clinical testing. Allele origin: germline.

Labcorp Genetics (formerly Invitae), Labcorp
Classification: Uncertain significance. Last evaluated: 2025-03-29. Review status: criteria provided, single submitter. Criteria: Invitae Variant Classification Sherloc (09022015). Collection method: clinical testing. Allele origin: germline.
Comment: This sequence change replaces proline, which is neutral and non-polar, with serine, which is neutral and polar, at codon 6 of the HNRNPK protein (p.Pro6Ser). This variant is present in population databases (rs150076109, gnomAD 0.02%). This variant has not been reported in the literature in individuals affected with HNRNPK-related conditions. ClinVar contains an entry for this variant (Variation ID: 2892235). An algorithm developed to predict the effect of missense changes on protein structure and function (PolyPhen-2) suggests that this variant is likely to be tolerated. In summary, the available evidence is currently insufficient to determine the role of this variant in disease. Therefore, it has been classified as a Variant of Uncertain Significance.

Blueprint Genetics
Classification: Likely benign. Last evaluated: 2019-06-25. Review status: criteria provided, single submitter. Criteria: ACMG Guidelines, 2015. Collection method: clinical testing. Allele origin: germline.